The following continues an entry in ClinVar:

NM_001849.4(COL6A2):c.1970-9G>A

Gene: COL6A2. ClinVar aggregate classification (germline): Pathogenic/Likely pathogenic. Pathogenic (15); Likely pathogenic (2).

Submissions 9 to 21 of 21:

Broad Center for Mendelian Genomics, Broad Institute of MIT and Harvard
Classification: Likely pathogenic for Ullrich congenital muscular dystrophy 1A. Last evaluated: 2022-05-04. Review status: criteria provided, single submitter. Criteria: ACMG Guidelines, 2015. Collection method: curation. Allele origin: germline. Inheritance: Autosomal recessive inheritance.
Comment: The heterozygous c.1970-9G>A variant in COL6A2 was identified by our study, along with a variant of uncertain significance, in 2 unrelated individuals with either Bethlem myopathy 1 or Ullrich congenital muscular dystrophy 1. The variant has been reported in at least 11 individuals of Brazilian, European, and unknown ethnicity with Ullrich congenital muscular dystrophy 1 or Bethlem myopathy 1 (PMID: 27447704, 19309692, 28578317, 32065942, 21280092, 20576434, 25535305, 20976770, 24314752), and has been identified in 0.04% (15/35314) of Latino chromosomes by the Genome Aggregation Database (gnomAD; dbSNP ID: rs747900252). Although this variant has been seen in the general population, its frequency is not high enough to rule out a pathogenic role. This variant has also been reported in ClinVar (Variation ID: 265506) as pathogenic by multiple submitters, as likely pathogenic by Center for Pediatric Genomic Medicine, Children's Mercy Hospital and Clinics, and as likely benign by Illumina Clinical Services Laboratory. In vitro functional studies provide some evidence that the c.1970-9G>A variant may impact protein function (PMID: 19309692, 21280092). However, these types of assays may not accurately represent biological function. Computational prediction tools and conservation analyses suggest that this variant may impact the protein, though this information is not predictive enough to determine pathogenicity. The presence of this variant in at least 3 affected homozygotes, in combination with reported likely pathogenic variants, in combination with reported variants of uncertain significance, and in at least 11 individuals with Ullrich congenital muscular dystrophy 1 or Bethlem myopathy 1 increases the likelihood that the c.1970-9G>A variant is pathogenic (VariationID: 497233; PMID: 19309692, 28578317, 32065942, 21280092, 20576434, 25535305, 20976770, 24314752). In summary, although additional studies are required to fully establish its clinical significance, this variant is likely pathogenic. ACMG/AMP Criteria applied: PM3_strong, PS3_moderate, PP3 (Richards 2015).

Kariminejad - Najmabadi Pathology & Genetics Center
Classification: Pathogenic for Abnormality of the musculature. Last evaluated: 2021-07-10. Review status: criteria provided, single submitter. Criteria: ACMG Guidelines, 2015. Collection method: clinical testing. Allele origin: germline. Affected: yes.

Revvity Omics, Revvity
Classification: Pathogenic. Last evaluated: 2021-01-20. Review status: criteria provided, single submitter. Criteria: ACMG Guidelines, 2015. Collection method: clinical testing. Allele origin: germline.

Mendelics
Classification: Pathogenic for Bethlem myopathy 1A. Last evaluated: 2019-05-28. Review status: criteria provided, single submitter. Criteria: Mendelics Assertion Criteria 2017. Collection method: clinical testing. Allele origin: unknown.

Eurofins Ntd Llc (ga)
Classification: Pathogenic. Last evaluated: 2018-07-10. Review status: criteria provided, single submitter. Criteria: EGL ClinVar v180209 classification definitions. Collection method: clinical testing. Allele origin: germline. Observed: 8 variant alleles, 7 heterozygotes, 1 homozygote.

Illumina Laboratory Services, Illumina
Classification: Pathogenic for Collagen VI-related myopathy. Last evaluated: 2018-05-03. Review status: criteria provided, single submitter. Criteria: ICSL Variant Classification Criteria 09 May 2019. Collection method: clinical testing. Allele origin: germline.
Comment: The COL6A2 c.1970-9G>A splice region variant has been reported in at least six studies in which it was found in a total of seven affected individuals, including in one in a homozygous state, in five in a compound heterozygous state with a truncating variant on the second allele, and in one in a heterozygous state in whom the second allele was not detected. The individuals were affected with a range of phenotypes from a moderately severe form of Ullrich congenital muscular dystrophy through different intermediate phenotypes to a milder Bethlem myopathy (Martoni et al. 2009; Deconinck et al. 2010; Foley et al. 2011; Quijano-Roy et al. 2014; Deconinck et al. 2015; StehlÃ­kovÃ¡ et al. 2017). Control data are unavailable for this variant, which is reported at a frequency of 0.000436 in the Latino population of the Genome Aggregation Database. The c.1970-9G>A variant was shown to create a cryptic splice site in intron 25, leading to a frameshift and premature termination of the protein and reduced transcript levels to 20% of normal (Martoni et al. 2009). RT-PCR experiments in patient fibroblasts showed the presence of some normally spliced transcript (Foley e al. 2011). Studies in patient fibroblast cultures demonstrated that the variant resulted in significantly reduced levels of collagen VI protein, decreased intracellular secretion, and abnormal deposition and organization of the protein in the extracellular matrix (Martoni et al. 2009; Deconinck et al. 2015). Based on the collective evidence, the c.1970-9G>A variant is classified as pathogenic for an autosomal recessive form of collagen type VI-related disorders. This variant was observed by ICSL as part of a predisposition screen in an ostensibly healthy population.

Center for Pediatric Genomic Medicine, Children's Mercy Hospital and Clinics
Classification: Likely pathogenic. Last evaluated: 2017-04-21. Review status: criteria provided, single submitter. Criteria: ACMG Guidelines, 2015. Collection method: clinical testing. Allele origin: germline.

Centre for Mendelian Genomics, University Medical Centre Ljubljana
Classification: Pathogenic for Congenital hip dislocation; Gait disturbance; Falls; Hip flexor weakness; Muscle weakness. Last evaluated: 2017-01-01. Review status: criteria provided, single submitter. Criteria: ACMG Guidelines, 2015. Collection method: clinical testing. Allele origin: unknown. Affected: yes. Observed: 2 variant alleles.

Laboratory for Molecular Medicine, Mass General Brigham Personalized Medicine
Classification: Pathogenic for Qualitative or quantitative defects of collagen 6. Last evaluated: 2016-06-07. Review status: criteria provided, single submitter. Criteria: LMM Criteria. Collection method: clinical testing. Allele origin: germline. Inheritance: Autosomal recessive inheritance. Observed: 2 variant alleles.
Comment: The c.1970-9G>A variant in COL6A2 has been reported in 3 individuals (two compou nd heterozygotes who had other disease-causing variants in trans and one homozyg ote) with Ullrich congenital muscular dystrophy (Martoni 2009, Foley 2011, Decon ninck 2014). This variant has also been identified in 7/113354 of chromosomes by the Exome Aggregation Consortium (ExAC; dbSNP r s747900252). This frequency is low enough to be consistent with a recessive carr ier frequency. The c.1970-9G>A variant was demonstrated to cause altered splici ng, leading to a frameshift and a truncated or absent protein (Martoni 2009, Fol ey 2011). In summary, this variant meets our criteria to be classified as patho genic for collagen VI-related myopathy in an autosomal recessive manner based up on its segregation in affected individuals, low frequency in controls and functi onal impact.

Neuromuscular Department, Shariati Hospital, Tehran University of Medical Sciences
Classification: Uncertain significance for Bethlem myopathy. Last evaluated: 2020-10-19. Review status: no assertion criteria provided. Collection method: clinical testing. Allele origin: germline. Affected: yes. Observed: 1 variant allele. Not counted in ClinVar's aggregate classification.

Genome Diagnostics Laboratory, Amsterdam University Medical Center
Classification: Likely pathogenic. Review status: no assertion criteria provided. Collection method: clinical testing. Allele origin: germline. Affected: yes. Study: VKGL Data-share Consensus. Not counted in ClinVar's aggregate classification.

Joint Genome Diagnostic Labs from Nijmegen and Maastricht, Radboudumc and MUMC+
Classification: Likely pathogenic. Review status: no assertion criteria provided. Collection method: clinical testing. Allele origin: germline. Affected: yes. Study: VKGL Data-share Consensus. Not counted in ClinVar's aggregate classification.

Genomic Medicine Center of Excellence, King Faisal Specialist Hospital and Research Centre
Classification: Uncertain significance for Ullrich congenital muscular dystrophy 1B. Last evaluated: 2024-03-25. Review status: flagged submission. Criteria: ACMG Guidelines, 2015. Collection method: clinical testing. Allele origin: germline. Not counted in ClinVar's aggregate classification.
ClinVar note: Reason: Outlier claim with insufficient supporting evidence

Literature cited by the submitters: PubMed 20576434 (cited by 5 submitters); PubMed 19309692 (cited by 8 submitters); PubMed 21280092 (cited by 8 submitters); PubMed 25535305 (cited by 8 submitters); PubMed 29774307 (cited by 3 submitters); PubMed 11381124 (cited by Variantyx, Inc.); PubMed 37526466 (cited by Variantyx, Inc. and Athena Diagnostics); PubMed 34106991 (cited by Variantyx, Inc. and Athena Diagnostics); PubMed 32065942 (cited by Variantyx, Inc. and Athena Diagnostics); PubMed 30609409 (cited by Athena Diagnostics); PubMed 27447704 (cited by Athena Diagnostics and Illumina Laboratory Services, Illumina); PubMed 24314752 (cited by Athena Diagnostics and Illumina Laboratory Services, Illumina); PubMed 38374194 (cited by Athena Diagnostics).